The following is an entry in ClinVar:

NM_032119.4(ADGRV1):c.15376G>A (p.Asp5126Asn)

Gene: ADGRV1 (adhesion G protein-coupled receptor V1; plus strand). Cytogenetic location: 5q14.3.
Variant type: single nucleotide variant.
Coding change: c.15376G>A on transcript NM_032119.4 (MANE Select); coding-DNA position 15376, G replaced by A.
Protein change: p.Asp5126Asn; replaces aspartic acid 5126 with asparagine.
Molecular consequence: missense variant. On other transcripts: non-coding transcript variant (1).
Genome position (GRCh38, 1-based): chr5:90,810,636, G>A. VCF-style: chr5-90810636-G-A. GRCh37 (hg19) VCF-style: chr5-90106453-G-A.
Other names: short protein forms D5126N.
Identifiers: ClinVar variation 1361301 (VCV001361301.6), dbSNP rs755275790, ClinGen allele CA360409156.
Genomic context (GRCh38, chr5:90,810,636, plus strand): 5'-GATGTTAATTGGAGCCCACGCCTGAATCTAGATTTCAGTGTTGCAGTGATTACAATATTG[G>A]ATAATGATGACCTGGCAGGAATGGATATTTCCTTCCCCGAGACAACTGTGGCTGTAGCAG-3'
Protein context (NP_115495.3, residues 5116-5136): DFSVAVITIL[Asp5126Asn]NDDLAGMDIS

ClinVar aggregate classification (germline): Uncertain significance (1 of 4 stars; one submission).

Submission:

Labcorp Genetics (formerly Invitae), Labcorp
Classification: Uncertain significance. Last evaluated: 2022-01-13. Review status: criteria provided, single submitter. Criteria: Invitae Variant Classification Sherloc (09022015). Collection method: clinical testing. Allele origin: germline.
Comment: In summary, the available evidence is currently insufficient to determine the role of this variant in disease. Therefore, it has been classified as a Variant of Uncertain Significance. Algorithms developed to predict the effect of missense changes on protein structure and function are either unavailable or do not agree on the potential impact of this missense change (SIFT: "Tolerated"; PolyPhen-2: "Possibly Damaging"; Align-GVGD: "Class C0"). This variant has not been reported in the literature in individuals affected with ADGRV1-related conditions. This variant is not present in population databases (gnomAD no frequency). This sequence change replaces aspartic acid, which is acidic and polar, with asparagine, which is neutral and polar, at codon 5126 of the ADGRV1 protein (p.Asp5126Asn).